The following is an entry in ClinVar:

NM_003052.5(SLC34A1):c.581G>A (p.Gly194Asp)

Gene: SLC34A1 (solute carrier family 34 member 1; plus strand). Cytogenetic location: 5q35.3.
Variant type: single nucleotide variant.
Coding change: c.581G>A on transcript NM_003052.5 (MANE Select); coding-DNA position 581, G replaced by A.
Protein change: p.Gly194Asp; replaces glycine 194 with aspartic acid.
Molecular consequence: missense variant.
Genome position (GRCh38, 1-based): chr5:177,387,810, G>A. VCF-style: chr5-177387810-G-A. GRCh37 (hg19) VCF-style: chr5-176814811-G-A.
Other names: c.581G>A, p.Gly194Asp (NM_001167579.2); short protein forms G194D.
Identifiers: ClinVar variation 3381883 (VCV003381883.2).

ClinVar aggregate classification (germline): Likely pathogenic (1 of 4 stars; one submission).

Conditions:
Hypercalcemia, infantile, 2 (HCINF2). Identifiers: Orphanet 300547, MedGen C4310473, MONDO:0014851, OMIM 616963.

Submission:

Juno Genomics, Hangzhou Juno Genomics, Inc
Classification: Likely pathogenic for Hypercalcemia, infantile, 2. Review status: criteria provided, single submitter. Criteria: ACMG Guidelines, 2015. Collection method: clinical testing. Allele origin: germline. Affected: yes.
Comment: Absent from controls (or at extremely low frequency if recessive) in Genome Aggregation Database, Exome Sequencing Project, 1000 Genomes Project, or Exome Aggregation Consortium.;Multiple lines of computational evidence support a deleterious effect on the gene or gene product (conservation, evolutionary, splicing impact, etc).;For recessive disorders, detected in trans with a pathogenic variant.;Patient's phenotype or family history is highly specific for a disease with a single genetic etiology.